The following is an entry in ClinVar:

ClinVar aggregate classification (germline): Uncertain significance (1 of 4 stars; one submission).

Conditions:
3-Methylglutaconic aciduria type 2 (BTHS). Also called: CARDIOSKELETAL MYOPATHY WITH NEUTROPENIA AND ABNORMAL MITOCHONDRIA; Barth syndrome. Identifiers: Orphanet 111, MedGen C0574083, MONDO:0010543, OMIM 302060.

Allele frequency attached by ClinVar (database versions not stated): gnomAD exomes 0.00001.
gnomAD v4.1: 10 of 1,202,404 alleles (0.00083%); highest among the groups gnomAD compares: Non-Finnish European, 0.0011%; no homozygotes.

Submission:

Labcorp Genetics (formerly Invitae), Labcorp
Classification: Uncertain significance for 3-Methylglutaconic aciduria type 2. Last evaluated: 2025-03-27. Review status: criteria provided, single submitter. Criteria: Invitae Variant Classification Sherloc (09022015). Collection method: clinical testing. Allele origin: germline.
Comment: This sequence change replaces proline, which is neutral and non-polar, with serine, which is neutral and polar, at codon 62 of the TAZ protein (p.Pro62Ser). This variant is not present in population databases (gnomAD no frequency). This variant has not been reported in the literature in individuals affected with TAZ-related conditions. ClinVar contains an entry for this variant (Variation ID: 1009336). An algorithm developed to predict the effect of missense changes on protein structure and function (PolyPhen-2) suggests that this variant is likely to be disruptive. In summary, the available evidence is currently insufficient to determine the role of this variant in disease. Therefore, it has been classified as a Variant of Uncertain Significance.

NM_000116.5(TAFAZZIN):c.184C>T (p.Pro62Ser)

Gene: TAFAZZIN (tafazzin, phospholipid-lysophospholipid transacylase; plus strand). Cytogenetic location: Xq28.
Variant type: single nucleotide variant.
Coding change: c.184C>T on transcript NM_000116.5 (MANE Select); coding-DNA position 184, C replaced by T.
Protein change: p.Pro62Ser; replaces proline 62 with serine.
Molecular consequence: missense variant. On other transcripts: non-coding transcript variant (1).
Genome position (GRCh38, 1-based): chrX:154,412,160, C>T. VCF-style: chrX-154412160-C-T. GRCh37 (hg19) VCF-style: chrX-153640497-C-T.
Other names: c.238C>T, p.Pro80Ser (NM_001303465.2); c.184C>T, p.Pro62Ser (NM_181311.4, NM_181312.4, NM_181313.4); short protein forms P62S, P80S.
Identifiers: ClinVar variation 1009336 (VCV001009336.5), dbSNP rs2068328744, ClinGen allele CA415179824.
Genomic context (GRCh38, chrX:154,412,160, plus strand): 5'-CTGACCGTGCACAACAGGGAGGTGCTGTACGAGCTCATCGAGAAGCGAGGCCCGGCCACG[C>T]CCCTCATCACCGTGTCCAATCACCAGTCCTGCATGGACGACCCTCATCTCTGGGGTACCC-3'
Protein context (NP_000107.1, residues 52-72): ELIEKRGPAT[Pro62Ser]LITVSNHQSC